The following is an entry in ClinVar:

NM_001366722.1(GRIP1):c.1817A>C (p.Lys606Thr)

Gene: GRIP1 (glutamate receptor interacting protein 1; minus strand). Cytogenetic location: 12q14.3.
Variant type: single nucleotide variant.
Coding change: c.1817A>C on transcript NM_001366722.1 (MANE Select); coding-DNA position 1817, A replaced by C.
Protein change: p.Lys606Thr; replaces lysine 606 with threonine.
Molecular consequence: missense variant.
Genome position (GRCh38, 1-based): chr12:66,420,741, T>G on the plus strand (A>C on the coding strand, the complement: GRIP1 is on the minus strand). VCF-style: chr12-66420741-T-G. GRCh37 (hg19) VCF-style: chr12-66814521-T-G.
Other names: c.1661A>C, p.Lys554Thr (NM_001178074.2, NM_001379351.1, NM_021150.4); c.1736A>C, p.Lys579Thr (NM_001366723.1, NM_001379348.1); c.1739A>C, p.Lys580Thr (NM_001366724.1, NM_001379347.1); c.1895A>C, p.Lys632Thr (NM_001379345.1); c.1817A>C, p.Lys606Thr (NM_001379346.1); c.1664A>C, p.Lys555Thr (NM_001379349.1); c.1661A>C (NM_021150.3); short protein forms K632T, K580T, K555T, K606T, K554T, K579T.
Identifiers: ClinVar variation 2140456 (VCV002140456.3), dbSNP rs757067556, ClinGen allele CA6674276.
Genomic context (GRCh38, chr12:66,420,741, plus strand): 5'-AGAGGCCTTAAAATGAATCAGAAAATCCATTTTCCTTACCTGTGTGCCACACTCCCTTTC[T>G]TGATATCTGAAATGACGAGGGGGTCTCCTGGTTTTCTACTGGATGGTGCTGTAATAATGG-3'
Protein context (NP_001353651.1, residues 596-616): PGDPLVISDI[Lys606Thr]KGSVAHRTGT

ClinVar aggregate classification (germline): Uncertain significance. Review status: criteria provided, multiple submitters, no conflicts (2 of 4 stars). 2 submissions from 2 submitters: Uncertain significance (2). Last evaluated 2025-02-25.

Conditions:
Inborn genetic diseases. Identifiers: MedGen C0950123, MeSH D030342.

Allele frequency attached by ClinVar (database versions not stated): gnomAD exomes 0.00001; TOPMed 0.00002; ExAC 0.00004.
gnomAD v4.1: 14 of 1,582,996 alleles (0.00088%); highest among the groups gnomAD compares: Admixed American, 0.023%; no homozygotes.

Submissions (2):

Ambry Genetics
Classification: Uncertain significance for Inborn genetic diseases. Last evaluated: 2025-02-25. Review status: criteria provided, single submitter. Criteria: Ambry Variant Classification Scheme 2023. Collection method: clinical testing. Allele origin: germline.

Labcorp Genetics (formerly Invitae), Labcorp
Classification: Uncertain significance. Last evaluated: 2024-01-15. Review status: criteria provided, single submitter. Criteria: Invitae Variant Classification Sherloc (09022015). Collection method: clinical testing. Allele origin: germline.
Comment: This sequence change replaces lysine, which is basic and polar, with threonine, which is neutral and polar, at codon 554 of the GRIP1 protein (p.Lys554Thr). This variant is present in population databases (rs757067556, gnomAD 0.03%). This variant has not been reported in the literature in individuals affected with GRIP1-related conditions. ClinVar contains an entry for this variant (Variation ID: 2140456). Advanced modeling of protein sequence and biophysical properties (such as structural, functional, and spatial information, amino acid conservation, physicochemical variation, residue mobility, and thermodynamic stability) performed at Invitae indicates that this missense variant is not expected to disrupt GRIP1 protein function with a negative predictive value of 80%. In summary, the available evidence is currently insufficient to determine the role of this variant in disease. Therefore, it has been classified as a Variant of Uncertain Significance.